The following is an entry in ClinVar:

NM_022458.4(LMBR1):c.423+4917G>T

Genes: LMBR1 (limb development membrane protein 1; minus strand), ZRS (ZPA regulatory sequence; plus strand). Cytogenetic location: 7q36.3.
Variant type: single nucleotide variant.
Coding change: c.423+4917G>T on transcript NM_022458.4 (MANE Select); 4917 bases into the intron after coding-DNA position 423, G replaced by T.
Molecular consequence: intron variant.
Genome position (GRCh38, 1-based): chr7:156,791,472, C>A on the plus strand (G>T on the coding strand, the complement: LMBR1 is on the minus strand). VCF-style: chr7-156791472-C-A. GRCh37 (hg19) VCF-style: chr7-156584166-C-A.
Other names: c.360+4917G>T (NM_001363412.2); c.144+4917G>T (NM_001350954.2); c.423+4917G>T (NM_001363410.2, NM_001363409.2, NM_001350953.2); c.-112+4917G>T (NM_001350958.2, NM_001350956.2, NM_001350955.2 and 1 more transcripts); c.54+4917G>T (NM_001350957.2, NM_001363411.2).
Identifiers: ClinVar variation 3366638 (VCV003366638.1).

ClinVar aggregate classification (germline): Uncertain significance (1 of 4 stars; one submission).

Submission:

Women's Health and Genetics/Laboratory Corporation of America, LabCorp
Classification: Uncertain significance. Last evaluated: 2024-08-23. Review status: criteria provided, single submitter. Criteria: LabCorp Variant Classification Summary - May 2015. Collection method: clinical testing. Allele origin: germline.
Comment: Variant summary: LMBR1 c.423+4917G>T is located at a position not widely known to affect splicing. Consensus agreement among computation tools predict no significant impact on normal splicing. However, these predictions have yet to be confirmed by functional studies. This sequence change is localized in the Sonic Hedgehog (SHH) limb enhancer called the zone of polarizing activity regulatory sequence (ZRS) and variants in this region lead to a wide array of limb malformations (PMID: 21509892). The variant was absent in 152136 control chromosomes. The available data on variant occurrences in the general population are insufficient to allow any conclusion about variant significance. To our knowledge, no occurrence of c.423+4917G>T in individuals affected with LMBR1-Related Disorders has been reported. At least one publication reports experimental evidence evaluating an impact on protein function in an in vitro reporter assay; however, the result does not allow convincing conclusions about the variant effect. The following publication have been ascertained in the context of this evaluation (PMID: 31395865). No submitters have cited clinical-significance assessments for this variant to ClinVar. Based on the evidence outlined above, the variant was classified as uncertain significance.

Literature cited by the submitters: PubMed 31395865.